The following is an entry in ClinVar:

ClinVar aggregate classification (germline): Conflicting classifications of pathogenicity. Review status: criteria provided, conflicting classifications (1 of 4 stars). 2 submissions from 2 submitters: Uncertain significance (1); Likely benign (1). Last evaluated 2023-05-10.

Submissions (2):

GeneDx
Classification: Uncertain significance. Last evaluated: 2023-05-10. Review status: criteria provided, single submitter. Criteria: GeneDx Variant Classification Process June 2021. Collection method: clinical testing. Allele origin: germline. Affected: yes.
Comment: Not observed at significant frequency in large population cohorts (gnomAD); In silico analysis supports that this variant does not alter splicing; Has not been previously published as pathogenic or benign to our knowledge

Labcorp Genetics (formerly Invitae), Labcorp
Classification: Likely benign. Last evaluated: 2023-04-09. Review status: criteria provided, single submitter. Criteria: Invitae Variant Classification Sherloc (09022015). Collection method: clinical testing. Allele origin: germline.

NM_001854.4(COL11A1):c.3069A>G (p.Ala1023=)

Gene: COL11A1 (collagen type XI alpha 1 chain; minus strand). Cytogenetic location: 1p21.1.
Variant type: single nucleotide variant.
Coding change: c.3069A>G on transcript NM_001854.4 (MANE Select); coding-DNA position 3069, A replaced by G.
Protein change: p.Ala1023=; no amino-acid change (alanine 1023 retained).
Molecular consequence: synonymous variant. On other transcripts: non-coding transcript variant (1).
Genome position (GRCh38, 1-based): chr1:102,962,221, T>C on the plus strand (A>G on the coding strand, the complement: COL11A1 is on the minus strand). VCF-style: chr1-102962221-T-C. GRCh37 (hg19) VCF-style: chr1-103427777-T-C.
Other names: c.2721A>G, p.Ala907= (NM_001168249.1, NM_080630.4); c.2952A>G, p.Ala984= (NM_001190709.2); c.3105A>G, p.Ala1035= (NM_080629.3); c.3069A>G (NM_001854.3).
Identifiers: ClinVar variation 2026022 (VCV002026022.5), dbSNP rs2524927339, ClinGen allele CA419197447.